The following is an entry in ClinVar:

NM_001127222.2(CACNA1A):c.492C>G (p.Tyr164Ter)

Gene: CACNA1A (calcium voltage-gated channel subunit alpha1 A; minus strand). Cytogenetic location: 19p13.13.
Variant type: single nucleotide variant.
Coding change: c.492C>G on transcript NM_001127222.2 (MANE Select); coding-DNA position 492, C replaced by G.
Protein change: p.Tyr164Ter; replaces tyrosine 164 with a stop codon.
Molecular consequence: nonsense.
Genome position (GRCh38, 1-based): chr19:13,452,923, G>C on the plus strand (C>G on the coding strand, the complement: CACNA1A is on the minus strand). VCF-style: chr19-13452923-G-C. GRCh37 (hg19) VCF-style: chr19-13563737-G-C.
Other names: c.492C>G, p.Tyr164Ter (NM_000068.4, NM_001127221.2, NM_001174080.2 and 1 more transcripts); short protein forms Y164*.
Identifiers: ClinVar variation 3255187 (VCV003255187.2), dbSNP rs765531651.

ClinVar aggregate classification (germline): Pathogenic (1 of 4 stars; one submission).

Conditions:
CACNA1A-related complex neurodevelopmental disorder. Identifiers: MedGen CN323281, MONDO:0100254.

Submission:

Victorian Clinical Genetics Services, Murdoch Childrens Research Institute
Classification: Pathogenic for CACNA1A-related complex neurodevelopmental disorder. Last evaluated: 2024-09-20. Review status: criteria provided, single submitter. Criteria: ACMG Guidelines, 2015. Collection method: clinical testing. Allele origin: germline. Inheritance: Autosomal dominant inheritance. Affected: yes.
Comment: Based on the classification scheme VCGS_Germline_v1.3.4, this variant is classified as Pathogenic. Following criteria are met: 0103 - Loss of function and gain of function are known mechanisms of disease in this gene. Type 2 episodic ataxia (MIM#108500) is mostly associated with loss of function, while familial hemiplegic migraine 1, with or without progressive cerebellar ataxia (MIM#141500) is associated with gain of function. Developmental and epileptic encephalopathy 42 (MIM#617106) is associated with both mechanisms, and spinocerebellar ataxia 6 (MIM#183086) is associated with CAG repeat expansion (OMIM, PMID: 25735478, 28566750, 31468518, 32116539). (I) 0107 - This gene is associated with autosomal dominant disease. (I) 0112 - The condition associated with this gene has incomplete penetrance. Asymptomatic family members have been reported to carry the same variant as affected family members (PMID: 10408533, 30142438). (I) 0115 - Variants in this gene are known to have variable expressivity. Intrafamilial variability has been reported for episodic ataxia, intellectual disability and/or epilepsy (PMID: 30142438, 32910250). (I) 0201 - Variant is predicted to cause nonsense-mediated decay (NMD) and loss of protein (premature termination codon is located at least 54 nucleotides upstream of the final exon-exon junction). (SP) 0251 - This variant is heterozygous. (I) 0301 - Variant is absent from gnomAD (both v2 and v3). (SP) 0701 - Many other NMD-predicted variants comparable to the one identified in this case have very strong previous evidence for pathogenicity (DECIPHER). (SP) 0807 - This variant has no previous evidence of pathogenicity. (I) 0905 - No published segregation evidence has been identified for this variant. (I) 1007 - No published functional evidence has been identified for this variant. (I) Legend: (SP) - Supporting pathogenic, (I) - Information, (SB) - Supporting benign

Literature cited by the submitters: PubMed 10408533; PubMed 25735478; PubMed 28566750; PubMed 30142438; PubMed 31468518; PubMed 32116539; PubMed 32910250.